The following is an entry in ClinVar:

NM_004999.4(MYO6):c.3795G>A (p.Ala1265=)

Gene: MYO6 (myosin VI; plus strand). Cytogenetic location: 6q14.1.
Variant type: single nucleotide variant.
Coding change: c.3795G>A on transcript NM_004999.4 (MANE Select); coding-DNA position 3795, G replaced by A.
Protein change: p.Ala1265=; no amino-acid change (alanine 1265 retained).
Molecular consequence: synonymous variant. On other transcripts: non-coding transcript variant (1).
Genome position (GRCh38, 1-based): chr6:75,914,949, G>A. VCF-style: chr6-75914949-G-A. GRCh37 (hg19) VCF-style: chr6-76624666-G-A.
Other names: c.3726G>A, p.Ala1242= (NM_001300899.2); c.3699G>A, p.Ala1233= (NM_001368136.1); c.3756G>A, p.Ala1252= (NM_001368137.1); c.3711G>A, p.Ala1237= (NM_001368138.1); c.3822G>A, p.Ala1274= (NM_001368865.1); c.3795G>A, p.Ala1265= (NM_001368866.1).
Identifiers: ClinVar variation 4977141 (VCV004977141.1).

ClinVar aggregate classification (germline): Likely benign (1 of 4 stars; one submission).

Conditions:
MYO6-related disorder. Also called: MYO6-related condition; MYO6-related disorders.

Submission:

PreventionGenetics, part of Exact Sciences
Classification: Likely benign for MYO6-related condition. Last evaluated: 2024-12-16. Review status: criteria provided, single submitter. Criteria: ACMG Guidelines, 2015. Collection method: clinical testing. Allele origin: germline.
Comment: This variant is classified as likely benign based on ACMG/AMP sequence variant interpretation guidelines (Richards et al. 2015 PMID: 25741868, with internal and published modifications).